The following is an entry in ClinVar:

ClinVar aggregate classification (germline): Likely benign. Review status: criteria provided, multiple submitters, no conflicts (2 of 4 stars). 6 submissions from 6 submitters: Likely benign (6). Last evaluated 2025-12-16.

Conditions:
DYRK1A-related intellectual disability syndrome (MRD7). Also called: Intellectual developmental disorder, autosomal dominant 7; DYRK1A Syndrome. Identifiers: Orphanet 464306, MedGen C5568143, MONDO:0013578, OMIM 614104.
Inborn genetic diseases. Identifiers: MedGen C0950123, MeSH D030342.

Submissions (6):

Labcorp Genetics (formerly Invitae), Labcorp
Classification: Likely benign for DYRK1A-related intellectual disability syndrome. Last evaluated: 2025-12-16. Review status: criteria provided, single submitter. Criteria: Invitae Variant Classification Sherloc (09022015). Collection method: clinical testing. Allele origin: germline.

Blueprint Genetics
Classification: Likely benign. Last evaluated: 2024-11-23. Review status: criteria provided, single submitter. Criteria: ACMG Guidelines, 2015. Collection method: clinical testing. Allele origin: germline.

Ambry Genetics
Classification: Likely benign for Inborn genetic diseases. Last evaluated: 2022-11-10. Review status: criteria provided, single submitter. Criteria: Ambry Variant Classification Scheme 2023. Collection method: clinical testing. Allele origin: germline.

Women's Health and Genetics/Laboratory Corporation of America, LabCorp
Classification: Likely benign. Last evaluated: 2020-11-05. Review status: criteria provided, single submitter. Criteria: LabCorp Variant Classification Summary - May 2015. Collection method: clinical testing. Allele origin: germline.
Comment: Variant summary: DYRK1A c.1839_1844dupCCACCA (p.His618_His619dup) results in an in-frame duplication that is predicted to add two additional histidine amino acid residues to a histidine repeat region (that is consisting of 13 consecutive histidines). The variant allele was found at a frequency of 8e-05 in 250312 control chromosomes, predominantly found in the North-western European subpopulation, with a frequency of 0.00024 (i.e. 10/42006 alleles) in the gnomAD database (v2, exomes dataset). To our knowledge, no occurrence of c.1839_1844dupCCACCA in individuals affected with Mental Retardation, Autosomal Dominant 7 and no experimental evidence demonstrating its impact on protein function have been reported. However recent functional studies elucidating the role of the affected histidine repeat, found that this repeat region is a nuclear speckle-targeting signal, where a repeat length of 6 His residues is sufficient to target a heterologous protein to the nuclear speckles, moreover a positive relationship was detected between the accumulation in nuclear speckles and the length of the His-tract (PMIDs: 12799418, 19266028); therefore the elongation of this histidine repeat region by our variant of interest could be expected to be of no functional impact. Three clinical diagnostic laboratories have submitted clinical-significance assessments for this variant to ClinVar after 2014 without evidence for independent evaluation, citing the variant as likely benign (n=1) and uncertain significance (n=2). Based on the evidence outlined above, the variant was classified as likely benign.

GeneDx
Classification: Likely benign. Last evaluated: 2019-03-01. Review status: criteria provided, single submitter. Criteria: GeneDx Variant Classification Process June 2021. Collection method: clinical testing. Allele origin: germline. Affected: yes.

Genetic Services Laboratory, University of Chicago
Classification: Likely benign. Last evaluated: 2017-08-30. Review status: criteria provided, single submitter. Criteria: ACMG Guidelines, 2015. Collection method: clinical testing. Allele origin: germline. Affected: no.

NM_001347721.2(DYRK1A):c.1803CCA[7] (p.His609_His610dup)

Gene: DYRK1A (dual specificity tyrosine phosphorylation regulated kinase 1A; plus strand). Cytogenetic location: 21q22.13.
Variant type: Microsatellite.
Coding change: c.1803CCA[7] on transcript NM_001347721.2 (MANE Select); seven copies in a row of the 3-base unit CCA starting at c.1803; the reference has five copies in a row; two copies, 6 bases duplicated.
Protein change: p.His609_His610dup.
Molecular consequence: inframe insertion. On other transcripts: 3 prime UTR variant (2).
Genome position (GRCh38, 1-based): chr21:37,512,078-37,512,083, CCACCA duplicated; duplicating any 6 consecutive bases within chr21:37,512,067-37,512,083 gives the same sequence; the position shown is the placement nearest the transcript's 3' end. VCF-style (leftmost placement, unchanged base first): chr21-37512066-T-TCACCAC. GRCh37 (hg19) VCF-style: chr21-38884369-T-TCACCAC.
Other names: c.1803CCA[7], p.His609_His610dup (NM_001347722.2, NM_130436.2); c.1716CCA[7], p.His580_His581dup (NM_001347723.2); c.1830CCA[7], p.His618_His619dup (NM_001396.5); c.*206CCA[7] (NM_101395.2); c.*115CCA[7] (NM_130438.2); c.1839_1844dupCCACCA (NM_001396.4).
Identifiers: ClinVar variation 429953 (VCV000429953.20), dbSNP rs760576043, ClinGen allele CA10024105.